The following is an entry in ClinVar:

NM_001130965.3(SUN1):c.900C>G (p.Phe300Leu)

Gene: SUN1 (Sad1 and UNC84 domain containing 1; plus strand). Cytogenetic location: 7p22.3.
Variant type: single nucleotide variant.
Coding change: c.900C>G on transcript NM_001130965.3 (MANE Select); coding-DNA position 900, C replaced by G.
Protein change: p.Phe300Leu; replaces phenylalanine 300 with leucine.
Molecular consequence: missense variant. On other transcripts: non-coding transcript variant (3).
Genome position (GRCh38, 1-based): chr7:852,657, C>G. VCF-style: chr7-852657-C-G. GRCh37 (hg19) VCF-style: chr7-892294-C-G.
Other names: c.900C>G (NM_001130965.2); c.1032C>G, p.Phe344Leu (NM_001367646.1, NM_001367673.1, NM_001367706.1); c.945C>G, p.Phe315Leu (NM_001367647.1, NM_001367649.1, NM_001367668.1); c.762C>G, p.Phe254Leu (NM_001367648.1); c.1314C>G, p.Phe438Leu (NM_001367651.1); c.900C>G, p.Phe300Leu (NM_001367653.1, NM_001367633.1, NM_001367634.1 and 3 more transcripts); c.1143C>G, p.Phe381Leu (NM_001367655.1, NM_001367636.1, NM_001367666.1 and 1 more transcripts); c.250C>G, p.Pro84Ala (NM_001367658.1); and 25 more; short protein forms F111L, F148L, F183L, F198L, F217L, F245L, F250L, F254L.
Identifiers: ClinVar variation 1002198 (VCV001002198.7), dbSNP rs377260468, ClinGen allele CA4111978.

ClinVar aggregate classification (germline): Conflicting classifications of pathogenicity. Review status: criteria provided, conflicting classifications (1 of 4 stars). 2 submissions from 2 submitters: Uncertain significance (1); Likely benign (1). Last evaluated 2023-07-07.

Conditions:
Emery-Dreifuss muscular dystrophy (EDMD). Also called: Scapuloperoneal syndrome, X-linked (formerly); Humeroperoneal neuromuscular disease, (formerly). Identifiers: Orphanet 261, MedGen C0410189, MONDO:0016830.

Allele frequency attached by ClinVar (database versions not stated): gnomAD 0.00006; gnomAD exomes 0.00006; ExAC 0.00007; TOPMed 0.00007; ESP Exome Variant Server 0.00017.
gnomAD v4.1: 165 of 1,614,068 alleles (0.01%); highest among the groups gnomAD compares: Non-Finnish European, 0.013%; no homozygotes.

Submissions (2):

Labcorp Genetics (formerly Invitae), Labcorp
Classification: Uncertain significance for Emery-Dreifuss muscular dystrophy. Last evaluated: 2023-07-07. Review status: criteria provided, single submitter. Criteria: Invitae Variant Classification Sherloc (09022015). Collection method: clinical testing. Allele origin: germline.
Comment: In summary, the available evidence is currently insufficient to determine the role of this variant in disease. Therefore, it has been classified as a Variant of Uncertain Significance. Algorithms developed to predict the effect of missense changes on protein structure and function output the following: SIFT: "Not Available"; PolyPhen-2: "Benign"; Align-GVGD: "Not Available". The leucine amino acid residue is found in multiple mammalian species, which suggests that this missense change does not adversely affect protein function. ClinVar contains an entry for this variant (Variation ID: 1002198). This variant has not been reported in the literature in individuals affected with SUN1-related conditions. This variant is present in population databases (rs377260468, gnomAD 0.01%). This sequence change replaces phenylalanine, which is neutral and non-polar, with leucine, which is neutral and non-polar, at codon 300 of the SUN1 protein (p.Phe300Leu).

Ambry Genetics
Classification: Likely benign. Last evaluated: 2022-12-19. Review status: criteria provided, single submitter. Criteria: Ambry Variant Classification Scheme 2023. Collection method: clinical testing. Allele origin: germline.